The following is an entry in ClinVar:

NM_001371986.1(UNC80):c.2404T>C (p.Cys802Arg)

Gene: UNC80 (unc-80 subunit of NALCN channel complex; plus strand). Cytogenetic location: 2q34.
Variant type: single nucleotide variant.
Coding change: c.2404T>C on transcript NM_001371986.1 (MANE Select); coding-DNA position 2404, T replaced by C.
Protein change: p.Cys802Arg; replaces cysteine 802 with arginine.
Molecular consequence: missense variant.
Genome position (GRCh38, 1-based): chr2:209,825,979, T>C. VCF-style: chr2-209825979-T-C. GRCh37 (hg19) VCF-style: chr2-210690703-T-C.
Other names: c.2404T>C, p.Cys802Arg (NM_032504.2, NM_182587.4); short protein forms C802R.
Identifiers: ClinVar variation 1472821 (VCV001472821.6), dbSNP rs2153828205, ClinGen allele CA350137326.

ClinVar aggregate classification (germline): Uncertain significance (1 of 4 stars; one submission).

Submission:

Labcorp Genetics (formerly Invitae), Labcorp
Classification: Uncertain significance. Last evaluated: 2021-05-08. Review status: criteria provided, single submitter. Criteria: Invitae Variant Classification Sherloc (09022015). Collection method: clinical testing. Allele origin: germline.
Comment: This sequence change replaces cysteine with arginine at codon 802 of the UNC80 protein (p.Cys802Arg). The cysteine residue is moderately conserved and there is a large physicochemical difference between cysteine and arginine. This variant is not present in population databases (ExAC no frequency). This variant has not been reported in the literature in individuals with UNC80-related conditions. Algorithms developed to predict the effect of missense changes on protein structure and function are either unavailable or do not agree on the potential impact of this missense change (SIFT: "Not Available"; PolyPhen-2: "Probably Damaging"; Align-GVGD: "Not Available"). In summary, the available evidence is currently insufficient to determine the role of this variant in disease. Therefore, it has been classified as a Variant of Uncertain Significance.